The following is an entry in ClinVar:

NM_000257.4(MYH7):c.1739T>A (p.Ile580Asn)

Gene: MYH7 (myosin heavy chain 7; minus strand). Cytogenetic location: 14q11.2.
Variant type: single nucleotide variant.
Coding change: c.1739T>A on transcript NM_000257.4 (MANE Select); coding-DNA position 1739, T replaced by A.
Protein change: p.Ile580Asn; replaces isoleucine 580 with asparagine.
Molecular consequence: missense variant.
Genome position (GRCh38, 1-based): chr14:23,427,734, A>T on the plus strand (T>A on the coding strand, the complement: MYH7 is on the minus strand). VCF-style: chr14-23427734-A-T. GRCh37 (hg19) VCF-style: chr14-23896943-A-T.
Other names: c.1739T>A, p.Ile580Asn (NM_001407004.1); short protein forms I580N.
Identifiers: ClinVar variation 3387347 (VCV003387347.1).
Genomic context (GRCh38, chr14:23,427,734, plus strand): 5'-GGATCCTTGTTCTTCTGCAGCCAGCCAATGATGTTGTAGTCCACGATGCCGGCATAGTGG[A>T]TCAGGGAGAAGTGGGCTTCAGGCTTCCCCTTGATATTGCGTGGCTTCTGGAAGTTGGCGG-3'
Protein context (NP_000248.2, residues 570-590): KGKPEAHFSL[Ile580Asn]HYAGIVDYNI

ClinVar aggregate classification (germline): Uncertain significance (1 of 4 stars; one submission).

Conditions:
Cardiomyopathy (CMYO). Also called: Cardiomyopathies. Identifiers: Orphanet 167848, MedGen C0878544, MONDO:0004994, HP:0001638. Inheritance: Various modes of inheritance.

Submission:

All of Us Research Program, National Institutes of Health
Classification: Uncertain significance for Cardiomyopathy. Last evaluated: 2024-09-23. Review status: criteria provided, single submitter. Criteria: ACMG Guidelines, 2015. Collection method: clinical testing. Allele origin: germline. Inheritance: Autosomal dominant inheritance. Observed: 1 variant allele, 1 heterozygote.
Comment: This study involves interpretation of variants in research participants for the purpose of population health screening. Participant phenotype was not available at the time of variant classification. Additional details can be found in publication PMID: 35346344, PMCID: PMC8962531